The following is an entry in ClinVar:

NM_017547.4(FOXRED1):c.1312A>G (p.Ser438Gly)

Gene: FOXRED1 (FAD dependent oxidoreductase domain containing 1; plus strand). Cytogenetic location: 11q24.2.
Variant type: single nucleotide variant.
Coding change: c.1312A>G on transcript NM_017547.4 (MANE Select); coding-DNA position 1312, A replaced by G.
Protein change: p.Ser438Gly; replaces serine 438 with glycine.
Molecular consequence: missense variant. On other transcripts: non-coding transcript variant (2).
Genome position (GRCh38, 1-based): chr11:126,277,540, A>G. VCF-style: chr11-126277540-A-G. GRCh37 (hg19) VCF-style: chr11-126147435-A-G.
Other names: short protein forms S438G.
Identifiers: ClinVar variation 2146922 (VCV002146922.2), dbSNP rs144003502, ClinGen allele CA6354439.

ClinVar aggregate classification (germline): Uncertain significance (1 of 4 stars; one submission).

Allele frequency attached by ClinVar (database versions not stated): TOPMed below 0.00001; ExAC 0.00001; ESP Exome Variant Server 0.00008.

Submission:

Labcorp Genetics (formerly Invitae), Labcorp
Classification: Uncertain significance. Last evaluated: 2024-01-24. Review status: criteria provided, single submitter. Criteria: Invitae Variant Classification Sherloc (09022015). Collection method: clinical testing. Allele origin: germline.
Comment: This sequence change replaces serine, which is neutral and polar, with glycine, which is neutral and non-polar, at codon 438 of the FOXRED1 protein (p.Ser438Gly). This variant is present in population databases (rs144003502, gnomAD 0.003%). This variant has not been reported in the literature in individuals affected with FOXRED1-related conditions. ClinVar contains an entry for this variant (Variation ID: 2146922). Advanced modeling of protein sequence and biophysical properties (such as structural, functional, and spatial information, amino acid conservation, physicochemical variation, residue mobility, and thermodynamic stability) performed at Invitae indicates that this missense variant is expected to disrupt FOXRED1 protein function with a positive predictive value of 80%. In summary, the available evidence is currently insufficient to determine the role of this variant in disease. Therefore, it has been classified as a Variant of Uncertain Significance.